The following is an entry in ClinVar:

ClinVar aggregate classification (germline): Uncertain significance (1 of 4 stars; one submission).

Conditions:
EP300-related disorder. Also called: EP300-related condition; EP300-related disorders.

Submission:

PreventionGenetics, part of Exact Sciences
Classification: Uncertain significance for EP300-related condition. Last evaluated: 2025-12-19. Review status: criteria provided, single submitter. Criteria: ACMG Guidelines, 2015. Collection method: clinical testing. Allele origin: germline.
Comment: The EP300 c.7134C>G variant is predicted to result in the amino acid substitution p.Ser2378Arg. To our knowledge, this variant has not been reported in the literature or in a large population database (gnomAD), indicating this variant is rare. At this time, the clinical significance of this variant is uncertain due to the absence of conclusive functional and genetic evidence.

NM_001429.4(EP300):c.7134C>G (p.Ser2378Arg)

Gene: EP300 (EP300 lysine acetyltransferase; plus strand). Cytogenetic location: 22q13.2.
Variant type: single nucleotide variant.
Coding change: c.7134C>G on transcript NM_001429.4 (MANE Select); coding-DNA position 7134, C replaced by G.
Protein change: p.Ser2378Arg; replaces serine 2378 with arginine.
Molecular consequence: missense variant.
Genome position (GRCh38, 1-based): chr22:41,178,845, C>G. VCF-style: chr22-41178845-C-G. GRCh37 (hg19) VCF-style: chr22-41574849-C-G.
Other names: c.7056C>G, p.Ser2352Arg (NM_001362843.2); short protein forms S2352R, S2378R.
Identifiers: ClinVar variation 4994129 (VCV004994129.1).
Genomic context (GRCh38, chr22:41,178,845, plus strand): 5'-CATGGAACAAGGGCATTTTGCCAGCCCGGACCAGAATTCAATGCTTTCTCAGCTTGCTAG[C>G]AATCCAGGCATGGCAAACCTCCATGGTGCAAGCGCCACGGACCTGGGACTCAGCACCGAT-3'
Protein context (NP_001420.2, residues 2368-2388): DQNSMLSQLA[Ser2378Arg]NPGMANLHGA